The following is an entry in ClinVar:

ClinVar aggregate classification (germline): Likely benign. Review status: criteria provided, multiple submitters, no conflicts (2 of 4 stars). 2 submissions from 2 submitters: Likely benign (2). Last evaluated 2023-04-06.

Conditions:
Duchenne muscular dystrophy (DMD). Also called: Duchenne Muscular Dystrophy (DMD); MUSCULAR DYSTROPHY, PSEUDOHYPERTROPHIC PROGRESSIVE, DUCHENNE TYPE. Identifiers: Orphanet 98896, MedGen C0013264, MONDO:0010679, OMIM 310200.

Allele frequency attached by ClinVar (database versions not stated): gnomAD exomes below 0.00001 and 0.00001; ExAC 0.00001.
gnomAD v4.1: 1 of 1,203,445 alleles (0.000083%); highest among the groups gnomAD compares: Non-Finnish European, 0.00011%; no homozygotes.

Submissions (2):

Labcorp Genetics (formerly Invitae), Labcorp
Classification: Likely benign for Duchenne muscular dystrophy. Last evaluated: 2023-04-06. Review status: criteria provided, single submitter. Criteria: Invitae Variant Classification Sherloc (09022015). Collection method: clinical testing. Allele origin: germline.

Women's Health and Genetics/Laboratory Corporation of America, LabCorp
Classification: Likely benign. Last evaluated: 2022-08-18. Review status: criteria provided, single submitter. Criteria: LabCorp Variant Classification Summary - May 2015. Collection method: clinical testing. Allele origin: germline.
Comment: Variant summary: DMD c.5923-7A>G alters a non-conserved nucleotide located close to a canonical splice site and therefore could affect mRNA splicing, leading to a significantly altered protein sequence. 3/3 computational tools predict no significant impact on normal splicing. However, these predictions have yet to be confirmed by functional studies. The variant allele was found at a frequency of 5.6e-06 in 179400 control chromosomes. The available data on variant occurrences in the general population are insufficient to allow any conclusion about variant significance. To our knowledge, no occurrence of c.5923-7A>G in individuals affected with Duchenne Muscular Dystrophy and no experimental evidence demonstrating its impact on protein function have been reported. One clinical diagnostic laboratory has submitted clinical-significance assessments for this variant to ClinVar after 2014 without evidence for independent evaluation and classified the variant as likely benign. Based on the evidence outlined above, the variant was classified as likely benign.

NM_004006.3(DMD):c.5923-7A>G

Gene: DMD (dystrophin; minus strand). Cytogenetic location: Xp21.1.
Variant type: single nucleotide variant.
Coding change: c.5923-7A>G on transcript NM_004006.3 (MANE Select); 7 bases into the intron before coding-DNA position 5923, A replaced by G.
Molecular consequence: intron variant.
Genome position (GRCh38, 1-based): chrX:32,310,283, T>C on the plus strand (A>G on the coding strand, the complement: DMD is on the minus strand). VCF-style: chrX-32310283-T-C. GRCh37 (hg19) VCF-style: chrX-32328400-T-C.
Other names: c.5899-7A>G (NM_000109.4); c.1900-7A>G (NM_004011.4); c.1891-7A>G (NM_004012.4); c.5911-7A>G (NM_004009.3); c.5554-7A>G (NM_004010.3).
Identifiers: ClinVar variation 1115920 (VCV001115920.10), dbSNP rs769161854, ClinGen allele CA10378566.